The following is an entry in ClinVar:

NM_001039141.3(TRIOBP):c.5782A>G (p.Ile1928Val)

Gene: TRIOBP (TRIO and F-actin binding protein; plus strand). Cytogenetic location: 22q13.1.
Variant type: single nucleotide variant.
Coding change: c.5782A>G on transcript NM_001039141.3 (MANE Select); coding-DNA position 5782, A replaced by G.
Protein change: p.Ile1928Val; replaces isoleucine 1928 with valine.
Molecular consequence: missense variant.
Genome position (GRCh38, 1-based): chr22:37,757,707, A>G. VCF-style: chr22-37757707-A-G. GRCh37 (hg19) VCF-style: chr22-38153714-A-G.
Other names: c.643A>G, p.Ile215Val (NM_007032.5, NM_138632.2); short protein forms I1928V, I215V.
Identifiers: ClinVar variation 228038 (VCV000228038.13), dbSNP rs781135139, ClinGen allele CA10224814.

ClinVar aggregate classification (germline): Conflicting classifications of pathogenicity. Review status: criteria provided, conflicting classifications (1 of 4 stars). 3 submissions from 3 submitters: Uncertain significance (2); Likely benign (1). Last evaluated 2026-08-07.

Allele frequency attached by ClinVar (database versions not stated): ExAC below 0.00001; gnomAD exomes 0.00003 and 0.00002; TOPMed 0.00003.
gnomAD v4.1: 9 of 1,581,918 alleles (0.00057%); highest among the groups gnomAD compares: Admixed American, 0.016%; no homozygotes.

Submissions (3):

GeneDx
Classification: Uncertain significance. Last evaluated: 2026-08-07. Review status: criteria provided, single submitter. Criteria: GeneDx Variant Classification Process June 2021. Collection method: clinical testing. Allele origin: germline.
Comment: In silico analysis suggests that this missense variant does not alter protein structure/function; Has not been previously published as pathogenic or benign to our knowledge

Labcorp Genetics (formerly Invitae), Labcorp
Classification: Uncertain significance. Last evaluated: 2024-09-04. Review status: criteria provided, single submitter. Criteria: Invitae Variant Classification Sherloc (09022015). Collection method: clinical testing. Allele origin: germline.
Comment: This sequence change replaces isoleucine, which is neutral and non-polar, with valine, which is neutral and non-polar, at codon 1928 of the TRIOBP protein (p.Ile1928Val). This variant is present in population databases (rs781135139, gnomAD 0.02%). This variant has not been reported in the literature in individuals affected with TRIOBP-related conditions. ClinVar contains an entry for this variant (Variation ID: 228038). An algorithm developed to predict the effect of missense changes on protein structure and function outputs the following: PolyPhen-2: "Benign". The valine amino acid residue is found in multiple mammalian species, which suggests that this missense change does not adversely affect protein function. In summary, the available evidence is currently insufficient to determine the role of this variant in disease. Therefore, it has been classified as a Variant of Uncertain Significance.

Laboratory for Molecular Medicine, Mass General Brigham Personalized Medicine
Classification: Likely benign. Last evaluated: 2016-02-07. Review status: criteria provided, single submitter. Criteria: LMM Criteria. Collection method: clinical testing. Allele origin: germline. Observed: 1 variant allele.
Comment: p.Ile1928Val in exon 16 of TRIOBP: This variant is not expected to have clinical significance due to a lack of conservation across species, including mammals. O f note, Rhesus, crab-eating macaque, baboon, and green monkey have a valine (Val ) at this position. In addition, computational prediction tools do not suggest a high likelihood of impact to the protein.